The following is an entry in ClinVar:

ClinVar aggregate classification (germline): Uncertain significance (1 of 4 stars; one submission).

Allele frequency attached by ClinVar (database versions not stated): gnomAD exomes below 0.00001; ExAC 0.00001; TOPMed 0.00001.
gnomAD v4.1: 2 of 1,606,914 alleles (0.00012%); highest among the groups gnomAD compares: Non-Finnish European, 0.00017%; no homozygotes.

Submission:

ARUP Laboratories, Molecular Genetics and Genomics, ARUP Laboratories
Classification: Uncertain significance. Last evaluated: 2019-09-25. Review status: criteria provided, single submitter. Criteria: ARUP Molecular Germline Variant Investigation Process. Collection method: clinical testing. Allele origin: germline.
Comment: The MYH6 c.736-9_736-8delinsAA variant, to our knowledge, is not reported in the medical literature or gene-specific databases. This variant is also absent from general population databases (Exome Variant Server, Genome Aggregation Database), although its constituent single nucleotide variants, c.736-9C>A (1/238214 alleles) and c.736-8G>A (3/239938 alleles), are each found on several chromosomes in the Genome Aggregation Database. The intronic c.736-9_736-8delinsAA variant alters two weakly conserved nucleotides, and computational analyses (Alamut v.2.11) predict that this variant may impact splicing by weakening the nearby canonical acceptor splice site. However, RNA analyses would be required to confirm an effect on splicing. Given the lack of clinical and functional data, the significance of the c.736-9_736-8delinsAA variant is uncertain at this time.

NM_002471.4(MYH6):c.736-9C>A

Gene: MYH6 (myosin heavy chain 6; minus strand). Cytogenetic location: 14q11.2.
Variant type: single nucleotide variant.
Coding change: c.736-9C>A on transcript NM_002471.4 (MANE Select); 9 bases into the intron before coding-DNA position 736, C replaced by A.
Molecular consequence: intron variant.
Genome position (GRCh38, 1-based): chr14:23,403,787, G>T on the plus strand (C>A on the coding strand, the complement: MYH6 is on the minus strand). VCF-style: chr14-23403787-G-T. GRCh37 (hg19) VCF-style: chr14-23872996-G-T.
Identifiers: ClinVar variation 993767 (VCV000993767.8), dbSNP rs748594445, ClinGen allele CA7116041.
Genomic context (GRCh38, chr14:23,403,787, plus strand): 5'-CTGCAGAAGCCAGCTTTCCAGTGGCCCCAAAGTGGATCCTAATGAATTTCCCCTGGGGAC[G>T]AATGGGACAGAGTGAGGGAACTGGCGGGAAGGACAGAGTGAAATCCTGGCCCTCTGTTCA-3'